The following is an entry in ClinVar:

NM_173560.4(RFX6):c.685C>T (p.Arg229Cys)

Gene: RFX6 (regulatory factor X6; plus strand). Cytogenetic location: 6q22.1.
Variant type: single nucleotide variant.
Coding change: c.685C>T on transcript NM_173560.4 (MANE Select); coding-DNA position 685, C replaced by T.
Protein change: p.Arg229Cys; replaces arginine 229 with cysteine.
Molecular consequence: missense variant.
Genome position (GRCh38, 1-based): chr6:116,910,947, C>T. VCF-style: chr6-116910947-C-T. GRCh37 (hg19) VCF-style: chr6-117232110-C-T.
Other names: short protein forms R229C.
Identifiers: ClinVar variation 4979330 (VCV004979330.1).

ClinVar aggregate classification (germline): Uncertain significance (1 of 4 stars; one submission).

Conditions:
RFX6-related disorder. Also called: RFX6-related condition.

gnomAD v4.1: 15 of 1,612,308 alleles (0.00093%); highest among the groups gnomAD compares: Admixed American, 0.0067%; no homozygotes.

Submission:

PreventionGenetics, part of Exact Sciences
Classification: Uncertain significance for RFX6-related condition. Last evaluated: 2025-07-23. Review status: criteria provided, single submitter. Criteria: ACMG Guidelines, 2015. Collection method: clinical testing. Allele origin: germline.
Comment: The RFX6 c.685C>T variant is predicted to result in the amino acid substitution p.Arg229Cys. To our knowledge, this variant has not been reported in the literature. This variant is reported in 0.0029% of alleles in individuals of Latino descent in gnomAD. At this time, the clinical significance of this variant is uncertain due to the absence of conclusive functional and genetic evidence.